The following is an entry in ClinVar:

NM_000208.4(INSR):c.2740C>T (p.Arg914Cys)

Gene: INSR (insulin receptor; minus strand). Cytogenetic location: 19p13.2.
Variant type: single nucleotide variant.
Coding change: c.2740C>T on transcript NM_000208.4 (MANE Select); coding-DNA position 2740, C replaced by T.
Protein change: p.Arg914Cys; replaces arginine 914 with cysteine.
Molecular consequence: missense variant.
Genome position (GRCh38, 1-based): chr19:7,132,260, G>A on the plus strand (C>T on the coding strand, the complement: INSR is on the minus strand). VCF-style: chr19-7132260-G-A. GRCh37 (hg19) VCF-style: chr19-7132271-G-A.
Other names: c.2704C>T, p.Arg902Cys (NM_001079817.3); short protein forms R914C, R902C.
Identifiers: ClinVar variation 2900446 (VCV002900446.3), dbSNP rs1972805107, ClinGen allele CA403672107.

ClinVar aggregate classification (germline): Uncertain significance (1 of 4 stars; one submission).

Allele frequency attached by ClinVar (database versions not stated): gnomAD exomes 0.00001.
gnomAD v4.1: 11 of 1,614,220 alleles (0.00068%); highest among the groups gnomAD compares: South Asian, 0.0011%; no homozygotes.

Submission:

Labcorp Genetics (formerly Invitae), Labcorp
Classification: Uncertain significance. Last evaluated: 2023-07-10. Review status: criteria provided, single submitter. Criteria: Invitae Variant Classification Sherloc (09022015). Collection method: clinical testing. Allele origin: germline.
Comment: This variant is not present in population databases (gnomAD no frequency). This sequence change replaces arginine, which is basic and polar, with cysteine, which is neutral and slightly polar, at codon 914 of the INSR protein (p.Arg914Cys). This variant has not been reported in the literature in individuals affected with INSR-related conditions. In summary, the available evidence is currently insufficient to determine the role of this variant in disease. Therefore, it has been classified as a Variant of Uncertain Significance. Advanced modeling of protein sequence and biophysical properties (such as structural, functional, and spatial information, amino acid conservation, physicochemical variation, residue mobility, and thermodynamic stability) performed at Invitae indicates that this missense variant is not expected to disrupt INSR protein function.